The following is an entry in ClinVar:

ClinVar aggregate classification (germline): Uncertain significance. Review status: criteria provided, multiple submitters, no conflicts (2 of 4 stars). 2 submissions from 2 submitters: Uncertain significance (2). Last evaluated 2023-04-20.

Conditions:
ALG6-congenital disorder of glycosylation 1C (CDG1C). Also called: CARBOHYDRATE-DEFICIENT GLYCOPROTEIN SYNDROME, TYPE I, WITH DEFICIENT GLYCOSYLATION OF DOLICHOL-LINKED OLIGOSACCHARIDE; CARBOHYDRATE-DEFICIENT GLYCOPROTEIN SYNDROME, TYPE V; Congenital disorder of glycosylation type 1C; Congenital disorder of glycosylation, type Ic; CDG Ic. Identifiers: Orphanet 79320, MedGen C2930997, MONDO:0011291, OMIM 603147.

Allele frequency attached by ClinVar (database versions not stated): gnomAD 0.00001; TOPMed 0.00001; ExAC 0.00003; gnomAD exomes 0.00004.
gnomAD v4.1: 62 of 1,613,914 alleles (0.0038%); highest among the groups gnomAD compares: Non-Finnish European, 0.0048%; no homozygotes.

Submissions (2):

Blueprint Genetics
Classification: Uncertain significance. Last evaluated: 2023-04-20. Review status: criteria provided, single submitter. Criteria: ACMG Guidelines, 2015. Collection method: clinical testing. Allele origin: germline.

Labcorp Genetics (formerly Invitae), Labcorp
Classification: Uncertain significance for ALG6-congenital disorder of glycosylation 1C. Last evaluated: 2022-07-24. Review status: criteria provided, single submitter. Criteria: Invitae Variant Classification Sherloc (09022015). Collection method: clinical testing. Allele origin: germline.
Comment: This sequence change replaces proline, which is neutral and non-polar, with leucine, which is neutral and non-polar, at codon 265 of the ALG6 protein (p.Pro265Leu). This variant is present in population databases (rs771364886, gnomAD 0.007%). This variant has not been reported in the literature in individuals affected with ALG6-related conditions. Algorithms developed to predict the effect of missense changes on protein structure and function (SIFT, PolyPhen-2, Align-GVGD) all suggest that this variant is likely to be disruptive. In summary, the available evidence is currently insufficient to determine the role of this variant in disease. Therefore, it has been classified as a Variant of Uncertain Significance.

NM_013339.4(ALG6):c.794C>T (p.Pro265Leu)

Gene: ALG6 (ALG6 alpha-1,3-glucosyltransferase; plus strand). Cytogenetic location: 1p31.3.
Variant type: single nucleotide variant.
Coding change: c.794C>T on transcript NM_013339.4 (MANE Select); coding-DNA position 794, C replaced by T.
Protein change: p.Pro265Leu; replaces proline 265 with leucine.
Molecular consequence: missense variant.
Genome position (GRCh38, 1-based): chr1:63,412,039, C>T. VCF-style: chr1-63412039-C-T. GRCh37 (hg19) VCF-style: chr1-63877710-C-T.
Other names: short protein forms P265L.
Identifiers: ClinVar variation 2138773 (VCV002138773.2), dbSNP rs771364886, ClinGen allele CA888256.
Genomic context (GRCh38, chr1:63,412,039, plus strand): 5'-GCTGGCTGCCATTCTTTACAGAAAGGGAACAAACCCTGCAGGTTCTAAGAAGACTCTTCC[C>T]GGTTGATCGTGGATTATTTGAGGCATGTTTAAACACTTTCCTCTCCTTTCTGTTACTGTA-3'
Protein context (NP_037471.2, residues 255-275): QTLQVLRRLF[Pro265Leu]VDRGLFEDKV